The following is an entry in ClinVar:

ClinVar aggregate classification (germline): Pathogenic/Likely pathogenic. Review status: criteria provided, multiple submitters, no conflicts (2 of 4 stars). 2 submissions from 2 submitters: Pathogenic (1); Likely pathogenic (1). Last evaluated 2025-06-09.

Conditions:
Autosomal recessive limb-girdle muscular dystrophy type 2A (LGMDR1). Also called: LEYDEN-MOEBIUS MUSCULAR DYSTROPHY; MUSCULAR DYSTROPHY, PELVOFEMORAL; Limb-girdle muscular dystrophy, type 2A; Calpainopathy; Muscular dystrophy, limb-girdle, type 2A, Amish. Identifiers: Orphanet 267, MedGen C1869123, MONDO:0009675, OMIM 253600. Disease mechanism: loss of function.
Muscular dystrophy, limb-girdle, autosomal dominant 4. Also called: MUSCULAR DYSTROPHY, LIMB-GIRDLE, TYPE 1I; Calpain-3-related limb-girdle muscular dystrophy D4. Identifiers: Orphanet 565909, MedGen C4748295, MONDO:0029133, OMIM 618129.

Allele frequency attached by ClinVar (database versions not stated): gnomAD exomes below 0.00001.
gnomAD v4.1: 2 of 1,614,084 alleles (0.00012%); highest among the groups gnomAD compares: East Asian, 0.0022%; no homozygotes.

Submissions (2):

Labcorp Genetics (formerly Invitae), Labcorp
Classification: Likely pathogenic for Autosomal recessive limb-girdle muscular dystrophy type 2A. Last evaluated: 2025-06-09. Review status: criteria provided, single submitter. Criteria: Invitae Variant Classification Sherloc (09022015). Collection method: clinical testing. Allele origin: germline.
Comment: This sequence change affects a donor splice site in intron 6 of the CAPN3 gene. It is expected to disrupt RNA splicing. Variants that disrupt the donor or acceptor splice site typically lead to a loss of protein function (PMID: 16199547), and loss-of-function variants in CAPN3 are known to be pathogenic (PMID: 10330340, 15689361). This variant is present in population databases (no rsID available, gnomAD 0.006%). Disruption of this splice site has been observed in individual(s) with limb-girdle muscular dystrophy (PMID: 7720071). ClinVar contains an entry for this variant (Variation ID: 1067979). Algorithms developed to predict the effect of sequence changes on RNA splicing suggest that this variant may disrupt the consensus splice site. In summary, the currently available evidence indicates that the variant is pathogenic, but additional data are needed to prove that conclusively. Therefore, this variant has been classified as Likely Pathogenic.

Fulgent Genetics
Classification: Pathogenic for Autosomal recessive limb-girdle muscular dystrophy type 2A; Muscular dystrophy, limb-girdle, autosomal dominant 4. Last evaluated: 2024-05-04. Review status: criteria provided, single submitter. Criteria: ACMG Guidelines, 2015. Collection method: clinical testing. Allele origin: germline.

Literature cited by the submitters: PubMed 16199547 (cited by Labcorp Genetics (formerly Invitae), Labcorp); PubMed 10330340 (cited by Labcorp Genetics (formerly Invitae), Labcorp); PubMed 15689361 (cited by Labcorp Genetics (formerly Invitae), Labcorp); PubMed 7720071 (cited by Labcorp Genetics (formerly Invitae), Labcorp).

NM_000070.3(CAPN3):c.945+1G>T

Gene: CAPN3 (calpain 3; plus strand). Cytogenetic location: 15q15.1.
Variant type: single nucleotide variant.
Coding change: c.945+1G>T on transcript NM_000070.3 (MANE Select); the canonical splice donor site of the intron after coding-DNA position 945, G replaced by T.
Molecular consequence: splice donor variant. On other transcripts: intron variant (1).
Genome position (GRCh38, 1-based): chr15:42,390,097, G>T. VCF-style: chr15-42390097-G-T. GRCh37 (hg19) VCF-style: chr15-42682295-G-T.
Other names: c.945+1G>T (NM_024344.2); c.801+1001G>T (NM_173087.2).
Identifiers: ClinVar variation 1067979 (VCV001067979.10), dbSNP rs1375420170, ClinGen allele CA391998728.